The following is an entry in ClinVar:

ClinVar aggregate classification (germline): Uncertain significance (1 of 4 stars; one submission).

Conditions:
Rubinstein-Taybi syndrome due to EP300 haploinsufficiency. Also called: EP300-Related Rubinstein-Taybi Syndrome; RUBINSTEIN-TAYBI SYNDROME 2. Identifiers: Orphanet 353284, Orphanet 783, MedGen C3150941, MONDO:0013364, OMIM 613684.

gnomAD v4.1: 3 of 1,613,860 alleles (0.00019%); highest among the groups gnomAD compares: Non-Finnish European, 0.00025%; no homozygotes.

Submission:

Labcorp Genetics (formerly Invitae), Labcorp
Classification: Uncertain significance for Rubinstein-Taybi syndrome due to EP300 haploinsufficiency. Last evaluated: 2025-03-31. Review status: criteria provided, single submitter. Criteria: Invitae Variant Classification Sherloc (09022015). Collection method: clinical testing. Allele origin: germline.
Comment: This sequence change falls in intron 10 of the EP300 gene. It does not directly change the encoded amino acid sequence of the EP300 protein. It affects a nucleotide within the consensus splice site. This variant is not present in population databases (gnomAD no frequency). This variant has not been reported in the literature in individuals affected with EP300-related conditions. Variants that disrupt the consensus splice site are a relatively common cause of aberrant splicing (PMID: 17576681, 9536098). Algorithms developed to predict the effect of sequence changes on RNA splicing suggest that this variant is not likely to affect RNA splicing. In summary, the available evidence is currently insufficient to determine the role of this variant in disease. Therefore, it has been classified as a Variant of Uncertain Significance.

Literature cited by the submitters: PubMed 17576681; PubMed 9536098.

NM_001429.4(EP300):c.2053+3A>G

Gene: EP300 (EP300 lysine acetyltransferase; plus strand). Cytogenetic location: 22q13.2.
Variant type: single nucleotide variant.
Coding change: c.2053+3A>G on transcript NM_001429.4 (MANE Select); 3 bases into the intron after coding-DNA position 2053, A replaced by G.
Molecular consequence: intron variant.
Genome position (GRCh38, 1-based): chr22:41,141,225, A>G. VCF-style: chr22-41141225-A-G. GRCh37 (hg19) VCF-style: chr22-41537229-A-G.
Other names: c.2053+3A>G (NM_001362843.2).
Identifiers: ClinVar variation 4764448 (VCV004764448.1).